The following is an entry in ClinVar:

ClinVar aggregate classification (germline): Uncertain significance (1 of 4 stars; one submission).

Conditions:
Inborn genetic diseases. Identifiers: MedGen C0950123, MeSH D030342.

Submission:

Ambry Genetics
Classification: Uncertain significance for Inborn genetic diseases. Last evaluated: 2024-09-27. Review status: criteria provided, single submitter. Criteria: Ambry Variant Classification Scheme 2023. Collection method: clinical testing. Allele origin: germline.
Comment: The p.P1125H variant (also known as c.3374C>A), located in coding exon 25 of the LRRK2 gene, results from a C to A substitution at nucleotide position 3374. The proline at codon 1125 is replaced by histidine, an amino acid with similar properties. This amino acid position is conserved. In addition, this alteration is predicted to be tolerated by in silico analysis. Based on the available evidence, the clinical significance of this variant remains unclear.

NM_198578.4(LRRK2):c.3374C>A (p.Pro1125His)

Gene: LRRK2 (leucine rich repeat kinase 2; plus strand). Cytogenetic location: 12q12.
Variant type: single nucleotide variant.
Coding change: c.3374C>A on transcript NM_198578.4 (MANE Select); coding-DNA position 3374, C replaced by A.
Protein change: p.Pro1125His; replaces proline 1125 with histidine.
Molecular consequence: missense variant.
Genome position (GRCh38, 1-based): chr12:40,299,135, C>A. VCF-style: chr12-40299135-C-A. GRCh37 (hg19) VCF-style: chr12-40692937-C-A.
Other names: short protein forms P1125H.
Identifiers: ClinVar variation 3540704 (VCV003540704.1).